The following is an entry in ClinVar:

ClinVar aggregate classification (germline): Benign/Likely benign. Review status: criteria provided, multiple submitters, no conflicts (2 of 4 stars). 2 submissions from 2 submitters: Benign (1); Likely benign (1). Last evaluated 2024-04-10.

Conditions:
Familial adenomatous polyposis 1 (FAP1). Also called: FAMILIAL ADENOMATOUS POLYPOSIS 1, ATTENUATED; POLYPOSIS, ADENOMATOUS INTESTINAL. Identifiers: MedGen C2713442, MONDO:0021056, OMIM 175100. Disease mechanism: loss of function.

Submissions (2):

Myriad Genetics, Inc.
Classification: Benign for Familial adenomatous polyposis 1. Last evaluated: 2024-04-10. Review status: criteria provided, single submitter. Criteria: Myriad Autosomal Dominant, Autosomal Recessive and X-Linked Classification Criteria (2023). Collection method: clinical testing. Allele origin: unknown.
Comment: This variant is considered benign. This variant is a silent/synonymous amino acid change and it is not expected to impact splicing.

Labcorp Genetics (formerly Invitae), Labcorp
Classification: Likely benign for Familial adenomatous polyposis 1. Last evaluated: 2023-11-05. Review status: criteria provided, single submitter. Criteria: Invitae Variant Classification Sherloc (09022015). Collection method: clinical testing. Allele origin: germline.

NM_000038.6(APC):c.7695A>G (p.Arg2565=)

Gene: APC (APC regulator of Wnt signaling pathway; plus strand). Cytogenetic location: 5q22.2.
Variant type: single nucleotide variant.
Coding change: c.7695A>G on transcript NM_000038.6 (MANE Select); coding-DNA position 7695, A replaced by G.
Protein change: p.Arg2565=; no amino-acid change (arginine 2565 retained).
Molecular consequence: synonymous variant. On other transcripts: non-coding transcript variant (2).
Genome position (GRCh38, 1-based): chr5:112,843,289, A>G. VCF-style: chr5-112843289-A-G. GRCh37 (hg19) VCF-style: chr5-112178986-A-G.
Other names: c.7695A>G, p.Arg2565= (NM_001127510.3, NM_001354895.2, NM_001407450.1); c.7641A>G, p.Arg2547= (NM_001127511.3); c.7749A>G, p.Arg2583= (NM_001354896.2, NM_001407447.1, NM_001407448.1 and 1 more transcripts); c.7725A>G, p.Arg2575= (NM_001354897.2); c.7620A>G, p.Arg2540= (NM_001354898.2); c.7611A>G, p.Arg2537= (NM_001354899.2); c.7572A>G, p.Arg2524= (NM_001354900.2); c.7518A>G, p.Arg2506= (NM_001354901.2, NM_001407453.1); and 11 more.
Identifiers: ClinVar variation 2915303 (VCV002915303.4), dbSNP rs2149992067, ClinGen allele CA446211141.